The following is an entry in ClinVar:

ClinVar aggregate classification (germline): Uncertain significance. Review status: criteria provided, multiple submitters, no conflicts (2 of 4 stars). 2 submissions from 2 submitters: Uncertain significance (2). Last evaluated 2025-04-10.

Allele frequency attached by ClinVar (database versions not stated): gnomAD exomes below 0.00001 and 0.00001; ExAC 0.00001; TOPMed 0.00001; gnomAD 0.00002.
gnomAD v4.1: 5 of 1,613,850 alleles (0.00031%); highest among the groups gnomAD compares: African/African-American, 0.0067%; no homozygotes.

Submissions (2):

Labcorp Genetics (formerly Invitae), Labcorp
Classification: Uncertain significance. Last evaluated: 2025-04-10. Review status: criteria provided, single submitter. Criteria: Invitae Variant Classification Sherloc (09022015). Collection method: clinical testing. Allele origin: germline.
Comment: This sequence change replaces proline, which is neutral and non-polar, with threonine, which is neutral and polar, at codon 1715 of the ITPR1 protein (p.Pro1715Thr). This variant is present in population databases (rs775018692, gnomAD 0.01%). This variant has not been reported in the literature in individuals affected with ITPR1-related conditions. ClinVar contains an entry for this variant (Variation ID: 1312761). Invitae Evidence Modeling of protein sequence and biophysical properties (such as structural, functional, and spatial information, amino acid conservation, physicochemical variation, residue mobility, and thermodynamic stability) indicates that this missense variant is not expected to disrupt ITPR1 protein function with a negative predictive value of 95%. In summary, the available evidence is currently insufficient to determine the role of this variant in disease. Therefore, it has been classified as a Variant of Uncertain Significance.

GeneDx
Classification: Uncertain significance. Last evaluated: 2020-08-05. Review status: criteria provided, single submitter. Criteria: GeneDx Variant Classification Process June 2021. Collection method: clinical testing. Allele origin: germline. Affected: yes.
Comment: Has not been previously published as pathogenic or benign to our knowledge; In silico analysis supports that this missense variant does not alter protein structure/function

NM_001378452.1(ITPR1):c.5332C>A (p.Pro1778Thr)

Gene: ITPR1 (inositol 1,4,5-trisphosphate receptor type 1; plus strand). Cytogenetic location: 3p26.1.
Variant type: single nucleotide variant.
Coding change: c.5332C>A on transcript NM_001378452.1 (MANE Select); coding-DNA position 5332, C replaced by A.
Protein change: p.Pro1778Thr; replaces proline 1778 with threonine.
Molecular consequence: missense variant.
Genome position (GRCh38, 1-based): chr3:4,733,199, C>A. VCF-style: chr3-4733199-C-A. GRCh37 (hg19) VCF-style: chr3-4774883-C-A.
Other names: c.5188C>A, p.Pro1730Thr (NM_001099952.4); c.5287C>A, p.Pro1763Thr (NM_001168272.2); c.5143C>A, p.Pro1715Thr (NM_002222.7); short protein forms P1715T, P1730T, P1763T, P1778T.
Identifiers: ClinVar variation 1312761 (VCV001312761.3), dbSNP rs775018692, ClinGen allele CA2232285.
Genomic context (GRCh38, chr3:4,733,199, plus strand): 5'-CCTTCGGGACGAAGAGAGAGCCTTACCAGCTTTGGCAATGGCCCACTGTCAGCAGGAGGA[C>A]CCGGCAAGCCCGGGGGAGGAGGTACGCTTTGTGGTGTAATTACCTTCGTGTGTGAATCAA-3'
Protein context (NP_001365381.1, residues 1768-1788): FGNGPLSAGG[Pro1778Thr]GKPGGGGGGS